The following is an entry in ClinVar:

NM_001009944.3(PKD1):c.8235T>G (p.Ser2745=)

Gene: PKD1 (polycystin 1, transient receptor potential channel interacting; minus strand). Cytogenetic location: 16p13.3.
Variant type: single nucleotide variant.
Coding change: c.8235T>G on transcript NM_001009944.3 (MANE Select); coding-DNA position 8235, T replaced by G.
Protein change: p.Ser2745=; no amino-acid change (serine 2745 retained).
Molecular consequence: synonymous variant.
Genome position (GRCh38, 1-based): chr16:2,103,822, A>C on the plus strand (T>G on the coding strand, the complement: PKD1 is on the minus strand). VCF-style: chr16-2103822-A-C. GRCh37 (hg19) VCF-style: chr16-2153823-A-C.
Other names: p.Ser2745=; c.8235T>G, p.Ser2745= (NM_000296.4).
Identifiers: ClinVar variation 257016 (VCV000257016.10), dbSNP rs556575921, ClinGen allele CA7830599.
Genomic context (GRCh38, chr16:2,103,822, plus strand): 5'-GCGCATGAGGATGCGCATGAGGGCAGAGGTCAGGTTGTAGGCCTGGGACGCCACCATCCG[A>C]GATGGTGACTCGGCTCCCAGCTCTGAGGGCTGTGGTGCCCGCACGTCCGAGCTGGCCAGG-3'
Protein context (NP_001009944.3, residues 2735-2755): QPSELGAESP[Ser2745=]RMVASQAYNL

ClinVar aggregate classification (germline): Benign/Likely benign. Review status: criteria provided, multiple submitters, no conflicts (2 of 4 stars). 8 submissions from 8 submitters: Benign (2); Likely benign (5). 1 of the submissions does not count toward it. Last evaluated 2025-05-28.

Conditions:
Autosomal dominant polycystic kidney disease. Identifiers: Orphanet 730, MedGen C0085413, MONDO:0004691.
Polycystic kidney disease, adult type (PKD1). Also called: Polycystic Kidney, Autosomal Dominant; Polycystic Kidney Disease 1, Autosomal Dominant; Polycystic kidney disease 1; Polycystic kidney disease 1, severe; POLYCYSTIC KIDNEY DISEASE 1 WITH OR WITHOUT POLYCYSTIC LIVER DISEASE; POLYCYSTIC KIDNEY DISEASE, ADULT, TYPE I. Identifiers: MedGen C3149841, MONDO:0008263, OMIM 173900.
Polycystic kidney disease. Also called: Polycystic kidney dysplasia; Kidney, Polycystic. Identifiers: MedGen C0022680, MeSH D007690, MONDO:0020642, HP:0000113.

Allele frequency attached by ClinVar (database versions not stated): gnomAD exomes 0.00009 and 0.00020; ExAC 0.00024; 1000 Genomes Project 30x 0.00094; 1000 Genomes Project 0.00120.

Submissions (8):

Mayo Clinic Laboratories, Mayo Clinic
Classification: Likely benign. Last evaluated: 2025-05-28. Review status: criteria provided, single submitter. Criteria: ACMG Guidelines, 2015. Collection method: clinical testing. Allele origin: germline. Observed: 2 variant alleles.
Comment: BS1, BP4, BP7

Women's Health and Genetics/Laboratory Corporation of America, LabCorp
Classification: Likely benign. Last evaluated: 2025-04-25. Review status: criteria provided, single submitter. Criteria: LabCorp Variant Classification Summary - May 2015. Collection method: clinical testing. Allele origin: germline.

Blueprint Genetics
Classification: Likely benign. Last evaluated: 2024-10-14. Review status: criteria provided, single submitter. Criteria: ACMG Guidelines, 2015. Collection method: clinical testing. Allele origin: germline.

Fulgent Genetics
Classification: Benign for Polycystic kidney disease, adult type. Last evaluated: 2021-07-27. Review status: criteria provided, single submitter. Criteria: ACMG Guidelines, 2015. Collection method: clinical testing. Allele origin: unknown.

GeneDx
Classification: Likely benign. Last evaluated: 2020-10-02. Review status: criteria provided, single submitter. Criteria: GeneDx Variant Classification Process June 2021. Collection method: clinical testing. Allele origin: germline. Affected: yes.
Comment: See Variant Classification Assertion Criteria.

Molecular Genetics of Inherited Kidney Disorders Laboratory, Garvan Institute of Medical Research
Classification: Benign for Autosomal dominant polycystic kidney disease. Last evaluated: 2019-01-01. Review status: criteria provided, single submitter. Criteria: ACMG Guidelines, 2015. Collection method: research. Allele origin: germline. Affected: yes.

PreventionGenetics, part of Exact Sciences
Classification: Likely benign. Review status: criteria provided, single submitter. Criteria: ACMG Guidelines, 2015. Collection method: clinical testing. Allele origin: germline.

Department of Pathology and Laboratory Medicine, Sinai Health System
Classification: Likely benign for Polycystic Kidney disease. Review status: no assertion criteria provided. Collection method: clinical testing. Allele origin: unknown. Affected: yes. Observed: 1 variant allele. Study: The Canadian Open Genetics Repository (COGR). Not counted in ClinVar's aggregate classification.
Comment: The PKD1 p.Ser2745= variant was identified in 2 of 160 proband chromosomes (frequency: 0.0125) from individuals or families with ADPKD, and was not identified in 100 control chromosomes from healthy individuals (Watnick 1997). Affected individuals were discovered to have clusters of base pair substitutions in exons 23 and 25 in addition to the variant (c>8279T>C/M2760T, c>8282G>C/R2761P, c>8291T>C/M2764T c>8477T>C/I2826T, c>8287C>G/L2763V), and the variant segregated with disease in 1 kindred (Watnick 1997). In a study looking at the consequences of gene conversions in the PKD1 gene, pathogenicity was undetermined (Symmons 2008). The variant was also identified in dbSNP (ID: rs556575921) â€šÃ„ÃºWith Likely benign alleleâ€šÃ„Ã¹, ClinVar (classified likely benign by Prevention Genetics), LOVD 3.0 (1x), ADPKD Mutation Database (classified as highly likely pathogenic, exon 23 gene conversion (2)), and was not identified in COGR, and PKD1-LOVD databases. The variant was identified in control databases in 49 of 243470 chromosomes at a frequency of 0.0002 increasing the likelihood this could be a low frequency variant (Genome Aggregation Consortium Feb 27, 2017), being identified in the following populations: African in 39 of 14862 chromosomes (frequency: 0.003), Other in 1 of 5428 chromosomes (frequency: 0.0002), Latino in 6 of 33526 chromosomes (frequency: 0.0002), European Non-Finnish in 2 of 109758 chromosomes (frequency: 0.00002), and East Asian in 1 of 17192 chromosomes (frequency: 0.00006). In addition we cannot be certain that data from control databases is specific to PKD1 and not from one of the six PKD1 pseudogenes. The p.Ser2745= variant is not expected to have clinical significance because it does not result in a change of amino acid and is not located in a known consensus splice site. In addition, in silico or computational prediction software programs (SpliceSiteFinder, MaxEntScan, NNSPLICE, GeneSplicer, HumanSpliceFinder) do not predict a difference in splicing. In summary, based on the above information the clinical significance of this variant cannot be determined with certainty at this time although we would lean towards a more benign role for this variant. This variant is classified as likely benign.